The following is an entry in ClinVar:

NM_001127511.3(APC):c.165+20045A>C

Gene: APC (APC regulator of Wnt signaling pathway; plus strand). Cytogenetic location: 5q22.2.
Variant type: single nucleotide variant.
Coding change: c.165+20045A>C on transcript NM_001127511.3; 20045 bases into the intron after coding-DNA position 165, A replaced by C.
Molecular consequence: intron variant.
Genome position (GRCh38, 1-based): chr5:112,727,927, A>C. VCF-style: chr5-112727927-A-C. GRCh37 (hg19) VCF-style: chr5-112063624-A-C.
Other names: c.-1054+20045A>C (NM_001407470.1, NM_001407472.1); c.-19+20045A>C (NM_001407447.1, NM_001354895.2, NM_001407456.1 and 3 more transcripts); c.165+20045A>C (NM_001407446.1, NM_001354897.2, NM_001354902.2); c.-19+20278A>C (NM_001407448.1, NM_001407450.1, NM_001407457.1 and 1 more transcripts); c.-43+20278A>C (NM_001407453.1).
Identifiers: ClinVar variation 82697 (VCV000082697.4), dbSNP rs75168477, ClinGen allele CA023461.

ClinVar aggregate classification (germline): other (0 of 4 stars; one submission).

Conditions:
Familial colorectal cancer. Identifiers: MedGen CN280943, MONDO:0023113. Disease mechanism: loss of function.

Submission:

Systems Biology Platform Zhejiang California International NanoSystems Institute
Classification: other for Familial colorectal cancer. Review status: no assertion criteria provided. Collection method: not provided. Allele origin: unknown.
ClinVar note: Converted during submission from cancer to other.